The following is an entry in ClinVar:

ClinVar aggregate classification (germline): Likely benign. Review status: criteria provided, multiple submitters, no conflicts (2 of 4 stars). 3 submissions from 3 submitters: Likely benign (2). 1 of the submissions does not count toward it. Last evaluated 2025-08-01.

Conditions:
Ehlers-Danlos syndrome, dermatosparaxis type. Also called: Dermatosparaxis; EDS VIIC; Ehlers-Danlos syndrome, type VII, autosomal recessive. Identifiers: Orphanet 1901, MedGen C2700425, MONDO:0009161, OMIM 225410.

Allele frequency attached by ClinVar (database versions not stated): gnomAD exomes below 0.00001; TOPMed below 0.00001.
gnomAD v4.1: 3 of 1,136,310 alleles (0.00026%); highest among the groups gnomAD compares: Non-Finnish European, 0.00032%; no homozygotes.

Submissions (3):

CeGaT Center for Human Genetics Tuebingen
Classification: Likely benign. Last evaluated: 2025-08-01. Review status: criteria provided, single submitter. Criteria: CeGaT Center For Human Genetics Tuebingen Variant Classification Criteria Version 2. Collection method: clinical testing. Allele origin: germline. Affected: yes. Observed: 1 variant allele.
Comment: ADAMTS2: BP4, BP7

Labcorp Genetics (formerly Invitae), Labcorp
Classification: Likely benign for Ehlers-Danlos syndrome, dermatosparaxis type. Last evaluated: 2024-03-10. Review status: criteria provided, single submitter. Criteria: Invitae Variant Classification Sherloc (09022015). Collection method: clinical testing. Allele origin: germline.

Natera, Inc.
Classification: Likely benign for Ehlers-Danlos syndrome type VIIC. Last evaluated: 2021-03-01. Review status: no assertion criteria provided. Collection method: clinical testing. Allele origin: germline. Not counted in ClinVar's aggregate classification.

NM_014244.5(ADAMTS2):c.42C>G (p.Pro14=)

Gene: ADAMTS2 (ADAM metallopeptidase with thrombospondin type 1 motif 2; minus strand). Cytogenetic location: 5q35.3.
Variant type: single nucleotide variant.
Coding change: c.42C>G on transcript NM_014244.5 (MANE Select); coding-DNA position 42, C replaced by G.
Protein change: p.Pro14=; no amino-acid change (proline 14 retained).
Molecular consequence: synonymous variant.
Genome position (GRCh38, 1-based): chr5:179,345,287, G>C on the plus strand (C>G on the coding strand, the complement: ADAMTS2 is on the minus strand). VCF-style: chr5-179345287-G-C. GRCh37 (hg19) VCF-style: chr5-178772288-G-C.
Other names: c.42C>G, p.Pro14= (NM_021599.4).
Identifiers: ClinVar variation 792681 (VCV000792681.20), dbSNP rs1581302053, ClinGen allele CA448237042.